The following is an entry in ClinVar:

ClinVar aggregate classification (germline): Uncertain significance. Review status: criteria provided, single submitter (1 of 4 stars). 2 submissions from 2 submitters: Uncertain significance (1). 1 of the submissions does not count toward it. Last evaluated 2026-06-11.

Conditions:
EP300-related disorder. Also called: EP300-related condition; EP300-related disorders.

Allele frequency attached by ClinVar (database versions not stated): gnomAD 0.00001; TOPMed 0.00001; ExAC 0.00002; gnomAD exomes 0.00002; 1000 Genomes Project 0.00020; 1000 Genomes Project 30x 0.00031.
gnomAD v4.1: 38 of 1,614,086 alleles (0.0024%); highest among the groups gnomAD compares: Middle Eastern, 0.017%; no homozygotes.

Submissions (2):

PreventionGenetics, part of Exact Sciences
Classification: Uncertain significance for EP300-related condition. Last evaluated: 2026-06-11. Review status: criteria provided, single submitter. Criteria: ACMG Guidelines, 2015. Collection method: clinical testing. Allele origin: germline.
Comment: The EP300 c.2173A>G variant is predicted to result in the amino acid substitution p.Ile725Val. To our knowledge, this variant has not been reported in the literature. This variant is reported in 0.0056% of alleles in individuals of Latino descent in gnomAD, which is likely too common to be a primary cause of disease. Although we suspect this variant may be benign, at this time, the clinical significance is uncertain due to the absence of conclusive functional and genetic evidence.

ITMI
No classification provided. Condition: AllHighlyPenetrant. Last evaluated: 2013-09-19. Review status: no classification provided. Collection method: reference population. Allele origin: germline. Not counted in ClinVar's aggregate classification.
Comment: Please see associated publication for description of ethnicities

Literature cited by the submitters: PubMed 24728327 (cited by ITMI).

NM_001429.4(EP300):c.2173A>G (p.Ile725Val)

Gene: EP300 (EP300 lysine acetyltransferase; plus strand). Cytogenetic location: 22q13.2.
Variant type: single nucleotide variant.
Coding change: c.2173A>G on transcript NM_001429.4 (MANE Select); coding-DNA position 2173, A replaced by G.
Protein change: p.Ile725Val; replaces isoleucine 725 with valine.
Molecular consequence: missense variant.
Genome position (GRCh38, 1-based): chr22:41,147,878, A>G. VCF-style: chr22-41147878-A-G. GRCh37 (hg19) VCF-style: chr22-41543882-A-G.
Other names: c.2173A>G (NM_001429.3); c.2095A>G, p.Ile699Val (NM_001362843.2); short protein forms I725V, I699V.
Identifiers: ClinVar variation 134036 (VCV000134036.2), dbSNP rs73885743, ClinGen allele CA158483.